The following is an entry in ClinVar:

NM_207122.2(EXT2):c.1704T>A (p.Gly568=)

Gene: EXT2 (exostosin glycosyltransferase 2; plus strand). Cytogenetic location: 11p11.2.
Variant type: single nucleotide variant.
Coding change: c.1704T>A on transcript NM_207122.2 (MANE Select); coding-DNA position 1704, T replaced by A.
Protein change: p.Gly568=; no amino-acid change (glycine 568 retained).
Molecular consequence: synonymous variant.
Genome position (GRCh38, 1-based): chr11:44,232,394, T>A. VCF-style: chr11-44232394-T-A. GRCh37 (hg19) VCF-style: chr11-44253944-T-A.
Other names: c.1803T>A, p.Gly601= (NM_000401.3); c.1734T>A, p.Gly578= (NM_001178083.3); c.1704T>A (NM_207122.1).
Identifiers: ClinVar variation 1127191 (VCV001127191.11), dbSNP rs145878394, ClinGen allele CA5955341.

ClinVar aggregate classification (germline): Likely benign. Review status: criteria provided, single submitter (1 of 4 stars). 2 submissions from 2 submitters: Likely benign (1). 1 of the submissions does not count toward it. Last evaluated 2025-08-17.

Conditions:
Exostoses, multiple, type 2 (EXT2). Also called: Hereditary Multiple Osteochondromatosis, Type II; EXOSTOSES, MULTIPLE, TYPE II. Identifiers: Orphanet 321, MedGen C1851413, MONDO:0007586, OMIM 133701.
EXT2-related disorder. Also called: EXT2-related condition.

Allele frequency attached by ClinVar (database versions not stated): ExAC 0.00003; gnomAD 0.00003 and 0.00004; gnomAD exomes 0.00003 and 0.00006; TOPMed 0.00003; ESP Exome Variant Server 0.00015.
gnomAD v4.1: 86 of 1,613,882 alleles (0.0053%); highest among the groups gnomAD compares: Non-Finnish European, 0.0072%; no homozygotes.

Submissions (2):

Labcorp Genetics (formerly Invitae), Labcorp
Classification: Likely benign for Exostoses, multiple, type 2. Last evaluated: 2025-08-17. Review status: criteria provided, single submitter. Criteria: Invitae Variant Classification Sherloc (09022015). Collection method: clinical testing. Allele origin: germline.

PreventionGenetics, part of Exact Sciences
Classification: Likely benign for EXT2-related condition. Last evaluated: 2022-05-13. Review status: no assertion criteria provided. Collection method: clinical testing. Allele origin: germline. Not counted in ClinVar's aggregate classification.
Comment: This variant is classified as likely benign based on ACMG/AMP sequence variant interpretation guidelines (Richards et al. 2015 PMID: 25741868, with internal and published modifications).